The following is an entry in ClinVar:

NM_001376.5(DYNC1H1):c.13787C>G (p.Thr4596Arg)

Gene: DYNC1H1 (dynein cytoplasmic 1 heavy chain 1; plus strand). Cytogenetic location: 14q32.31.
Variant type: single nucleotide variant.
Coding change: c.13787C>G on transcript NM_001376.5 (MANE Select); coding-DNA position 13787, C replaced by G.
Protein change: p.Thr4596Arg; replaces threonine 4596 with arginine.
Molecular consequence: missense variant.
Genome position (GRCh38, 1-based): chr14:102,050,173, C>G. VCF-style: chr14-102050173-C-G. GRCh37 (hg19) VCF-style: chr14-102516510-C-G.
Other names: short protein forms T4596R.
Identifiers: ClinVar variation 2718823 (VCV002718823.3), dbSNP rs2503891876, ClinGen allele CA391052161.
Genomic context (GRCh38, chr14:102,050,173, plus strand): 5'-CACTGTCCAATGCCATCTCAACCGCCCTTCCCCTGACGCAGCTGCGCTGGGTCAAGCAGA[C>G]AAACACCGAGAAGAAGGCCAGTGTGGTAAGGAGGCACTGCCTTTCCCAGGCATTCTGCAG-3'
Protein context (NP_001367.2, residues 4586-4606): PLTQLRWVKQ[Thr4596Arg]NTEKKASVVT

ClinVar aggregate classification (germline): Uncertain significance (1 of 4 stars; one submission).

Conditions:
Charcot-Marie-Tooth disease axonal type 2O. Also called: CHARCOT-MARIE-TOOTH NEUROPATHY, AXONAL, TYPE 2O; CHARCOT-MARIE-TOOTH DISEASE, AXONAL, AUTOSOMAL DOMINANT, TYPE 2O; Charcot-Marie-Tooth Neuropathy Type 2O; Charcot-Marie-Tooth disease, axonal, type 20. Identifiers: Orphanet 284232, MedGen C3280220, MONDO:0013644, OMIM 614228.

Submission:

Labcorp Genetics (formerly Invitae), Labcorp
Classification: Uncertain significance for Charcot-Marie-Tooth disease axonal type 2O. Last evaluated: 2023-10-31. Review status: criteria provided, single submitter. Criteria: Invitae Variant Classification Sherloc (09022015). Collection method: clinical testing. Allele origin: germline.
Comment: This sequence change replaces threonine, which is neutral and polar, with arginine, which is basic and polar, at codon 4596 of the DYNC1H1 protein (p.Thr4596Arg). This variant is not present in population databases (gnomAD no frequency). This variant has not been reported in the literature in individuals affected with DYNC1H1-related conditions. Advanced modeling of protein sequence and biophysical properties (such as structural, functional, and spatial information, amino acid conservation, physicochemical variation, residue mobility, and thermodynamic stability) performed at Invitae indicates that this missense variant is not expected to disrupt DYNC1H1 protein function with a negative predictive value of 95%. In summary, the available evidence is currently insufficient to determine the role of this variant in disease. Therefore, it has been classified as a Variant of Uncertain Significance.